The following is an entry in ClinVar:

ClinVar aggregate classification (germline): Pathogenic (1 of 4 stars; one submission).

Conditions:
Nephronophthisis. Also called: Juvenile Nephronophthisis. Identifiers: Orphanet 655, MedGen C0687120, MONDO:0019005, HP:0000090.

Submission:

Labcorp Genetics (formerly Invitae), Labcorp
Classification: Pathogenic for Nephronophthisis. Last evaluated: 2022-04-26. Review status: criteria provided, single submitter. Criteria: Invitae Variant Classification Sherloc (09022015). Collection method: clinical testing. Allele origin: germline.
Comment: This variant is a gross deletion of the genomic region encompassing exon(s) 4-15 of the IQCB1 gene, which includes the termination codon. This deletion extends beyond the assayed region for this gene and therefore may encompass additional genes. While this deletion is not anticipated to lead to nonsense mediated decay, it is expected to alter mRNA translation or result in a truncated protein product. This variant has not been reported in the literature in individuals affected with IQCB1-related conditions. This variant disrupts a region of the IQCB1 protein in which other variant(s) (p.His506Glnfs*13) have been determined to be pathogenic (PMID: 15723066, 20881296). This suggests that this is a clinically significant region of the protein, and that variants that disrupt it are likely to be disease-causing. For these reasons, this variant has been classified as Pathogenic.

Literature cited by the submitters: PubMed 15723066; PubMed 20881296.

NC_000003.11:g.(?_121459590)_(121547499_?)del

Genes: GOLGB1 (golgin B1; minus strand), IQCB1 (IQ motif containing B1; minus strand). Cytogenetic location: 3q13.33.
Variant type: Deletion.
Identifiers: ClinVar variation 2423484 (VCV002423484.4).